The following is an entry in ClinVar:

NM_000270.4(PNP):c.583G>A (p.Val195Met)

Gene: PNP (purine nucleoside phosphorylase; plus strand). Cytogenetic location: 14q11.2.
Variant type: single nucleotide variant.
Coding change: c.583G>A on transcript NM_000270.4 (MANE Select); coding-DNA position 583, G replaced by A.
Protein change: p.Val195Met; replaces valine 195 with methionine.
Molecular consequence: missense variant.
Genome position (GRCh38, 1-based): chr14:20,475,183, G>A. VCF-style: chr14-20475183-G-A. GRCh37 (hg19) VCF-style: chr14-20943342-G-A.
Other names: short protein forms V195M.
Identifiers: ClinVar variation 1004990 (VCV001004990.8), dbSNP rs1412529182, ClinGen allele CA389145715.

ClinVar aggregate classification (germline): Uncertain significance (1 of 4 stars; one submission).

Conditions:
Purine-nucleoside phosphorylase deficiency. Also called: Immunodeficiency due to purine nucleoside phosphorylase deficiency; NUCLEOSIDE PHOSPHORYLASE DEFICIENCY. Identifiers: Orphanet 760, MedGen C0268125, MONDO:0013171, OMIM 613179.

Allele frequency attached by ClinVar (database versions not stated): TOPMed 0.00002.

Submission:

Labcorp Genetics (formerly Invitae), Labcorp
Classification: Uncertain significance for Purine-nucleoside phosphorylase deficiency. Last evaluated: 2024-10-29. Review status: criteria provided, single submitter. Criteria: Invitae Variant Classification Sherloc (09022015). Collection method: clinical testing. Allele origin: germline.
Comment: This sequence change replaces valine, which is neutral and non-polar, with methionine, which is neutral and non-polar, at codon 195 of the PNP protein (p.Val195Met). This variant is not present in population databases (gnomAD no frequency). This variant has not been reported in the literature in individuals affected with PNP-related conditions. ClinVar contains an entry for this variant (Variation ID: 1004990). Invitae Evidence Modeling of protein sequence and biophysical properties (such as structural, functional, and spatial information, amino acid conservation, physicochemical variation, residue mobility, and thermodynamic stability) indicates that this missense variant is not expected to disrupt PNP protein function with a negative predictive value of 80%. In summary, the available evidence is currently insufficient to determine the role of this variant in disease. Therefore, it has been classified as a Variant of Uncertain Significance.